The following is an entry in ClinVar:

NM_014003.4(DHX38):c.1232A>G (p.Asn411Ser)

Gene: DHX38 (DEAH-box helicase 38; plus strand). Cytogenetic location: 16q22.2.
Variant type: single nucleotide variant.
Coding change: c.1232A>G on transcript NM_014003.4 (MANE Select); coding-DNA position 1232, A replaced by G.
Protein change: p.Asn411Ser; replaces asparagine 411 with serine.
Molecular consequence: missense variant.
Genome position (GRCh38, 1-based): chr16:72,100,551, A>G. VCF-style: chr16-72100551-A-G. GRCh37 (hg19) VCF-style: chr16-72134450-A-G.
Other names: short protein forms N411S.
Identifiers: ClinVar variation 2173833 (VCV002173833.1), dbSNP rs557516542, ClinGen allele CA8160248.

ClinVar aggregate classification (germline): Uncertain significance (1 of 4 stars; one submission).

Allele frequency attached by ClinVar (database versions not stated): TOPMed below 0.00001; ExAC 0.00001; gnomAD 0.00001; gnomAD exomes 0.00001; 1000 Genomes Project 30x 0.00016; 1000 Genomes Project 0.00020.
gnomAD v4.1: 20 of 1,614,136 alleles (0.0012%); highest among the groups gnomAD compares: East Asian, 0.0022%; no homozygotes.

Submission:

Labcorp Genetics (formerly Invitae), Labcorp
Classification: Uncertain significance. Last evaluated: 2022-04-22. Review status: criteria provided, single submitter. Criteria: Invitae Variant Classification Sherloc (09022015). Collection method: clinical testing. Allele origin: germline.
Comment: This sequence change replaces asparagine, which is neutral and polar, with serine, which is neutral and polar, at codon 411 of the DHX38 protein (p.Asn411Ser). This variant is present in population databases (rs557516542, gnomAD 0.006%). This variant has not been reported in the literature in individuals affected with DHX38-related conditions. Algorithms developed to predict the effect of missense changes on protein structure and function are either unavailable or do not agree on the potential impact of this missense change (SIFT: "Deleterious"; PolyPhen-2: "Possibly Damaging"; Align-GVGD: "Class C0"). In summary, the available evidence is currently insufficient to determine the role of this variant in disease. Therefore, it has been classified as a Variant of Uncertain Significance.